The following is an entry in ClinVar:

ClinVar aggregate classification (germline): Uncertain significance (1 of 4 stars; one submission).

Conditions:
Immunodeficiency 64. Also called: IMMUNODEFICIENCY 64 WITH LYMPHOPROLIFERATION. Identifiers: Orphanet 664699, MedGen C5231402, MONDO:0032803, OMIM 618534.

Allele frequency attached by ClinVar (database versions not stated): gnomAD exomes below 0.00001.
gnomAD v4.1: 1 of 1,603,514 alleles (0.000062%); highest among the groups gnomAD compares: East Asian, 0.0022%; no homozygotes.

Submission:

Center for Genomics, Ann and Robert H. Lurie Children's Hospital of Chicago
Classification: Uncertain significance for Immunodeficiency 64. Last evaluated: 2022-11-09. Review status: criteria provided, single submitter. Criteria: ACMG Guidelines, 2015. Collection method: clinical testing. Allele origin: germline.
Comment: This variant has not been reported in the literature and is not present in large control databases. Evolutionary conservation and computational prediction tools suggest that this variant may not impact the protein. In summary, data on this variant is insufficient for disease classification. Therefore, the clinical significance of this variant is uncertain.

NM_005739.4(RASGRP1):c.1321C>T (p.Pro441Ser)

Gene: RASGRP1 (RAS guanyl releasing protein 1; minus strand). Cytogenetic location: 15q14.
Variant type: single nucleotide variant.
Coding change: c.1321C>T on transcript NM_005739.4 (MANE Select); coding-DNA position 1321, C replaced by T.
Protein change: p.Pro441Ser; replaces proline 441 with serine.
Molecular consequence: missense variant.
Genome position (GRCh38, 1-based): chr15:38,505,842, G>A on the plus strand (C>T on the coding strand, the complement: RASGRP1 is on the minus strand). VCF-style: chr15-38505842-G-A. GRCh37 (hg19) VCF-style: chr15-38798043-G-A.
Other names: c.1321C>T, p.Pro441Ser (NM_001128602.2, NM_001306086.2); short protein forms P441S.
Identifiers: ClinVar variation 2500074 (VCV002500074.1), dbSNP rs2542878839, ClinGen allele CA391665618.